The following is an entry in ClinVar:

ClinVar aggregate classification (germline): Conflicting classifications of pathogenicity. Review status: criteria provided, conflicting classifications (1 of 4 stars). 6 submissions from 6 submitters: Uncertain significance (3); Likely benign (3). Last evaluated 2025-11-03.

Conditions:
POLG-related disorder. Also called: POLG-related condition; POLG-Related Disorders; POLG-Related Spectrum Disorders. Identifiers: MedGen C4763519.
Progressive sclerosing poliodystrophy (MTDPS4A). Also called: Mitochondrial DNA depletion syndrome 4A (Alpers type); Alpers Syndrome; NEURONAL DEGENERATION OF CHILDHOOD WITH LIVER DISEASE, PROGRESSIVE; ALPERS PROGRESSIVE INFANTILE POLIODYSTROPHY; ALPERS DIFFUSE DEGENERATION OF CEREBRAL GRAY MATTER WITH HEPATIC CIRRHOSIS; Alpers-Huttenlocher Syndrome. Identifiers: Orphanet 726, MedGen C0205710, MONDO:0008758, OMIM 203700.

Submissions (6):

Myriad Genetics, Inc.
Classification: Uncertain significance for POLG-related disorder. Last evaluated: 2025-11-03. Review status: criteria provided, single submitter. Criteria: Myriad Autosomal Dominant, Autosomal Recessive and X-Linked Classification Criteria (2023). Collection method: clinical testing. Allele origin: unknown.
Comment: NM_002693.2(POLG):c.155_166del12(Q52_Q55del) is an in-frame deletion classified as a variant of uncertain significance in the context of POLG-related disorders. Q52_Q55del has not been observed in cases with relevant disease. Relevant functional assessments of this variant are not available in the literature. Q52_Q55del has been observed in referenced population frequency databases. In summary, there is insufficient evidence to classify NM_002693.2(POLG):c.155_166del12(Q52_Q55del) as pathogenic or benign. Please note: this variant was assessed in the context of healthy population screening.

PreventionGenetics, part of Exact Sciences
Classification: Uncertain significance for POLG-related condition. Last evaluated: 2025-01-07. Review status: criteria provided, single submitter. Criteria: ACMG Guidelines, 2015. Collection method: clinical testing. Allele origin: germline.
Comment: The POLG c.155_166del12 variant is predicted to result in an in-frame deletion (p.Gln52_Gln55del). To our knowledge, this variant has not been reported in the literature. This variant is reported in 0.011% of alleles in individuals of European (Non-Finnish) descent in gnomAD. At this time, the clinical significance of this variant is uncertain due to the absence of conclusive functional and genetic evidence.

Labcorp Genetics (formerly Invitae), Labcorp
Classification: Likely benign for Progressive sclerosing poliodystrophy. Last evaluated: 2023-10-09. Review status: criteria provided, single submitter. Criteria: Invitae Variant Classification Sherloc (09022015). Collection method: clinical testing. Allele origin: germline.

Blueprint Genetics
Classification: Likely benign. Last evaluated: 2022-04-19. Review status: criteria provided, single submitter. Criteria: ACMG Guidelines, 2015. Collection method: clinical testing. Allele origin: germline.

GeneDx
Classification: Likely benign. Last evaluated: 2017-12-14. Review status: criteria provided, single submitter. Criteria: GeneDx Variant Classification (06012015). Collection method: clinical testing. Allele origin: germline. Affected: yes.
Comment: This variant is considered likely benign or benign based on one or more of the following criteria: it is a conservative change, it occurs at a poorly conserved position in the protein, it is predicted to be benign by multiple in silico algorithms, and/or has population frequency not consistent with disease.

Eurofins Ntd Llc (ga)
Classification: Uncertain significance. Last evaluated: 2016-12-14. Review status: criteria provided, single submitter. Criteria: EGL Classification Definitions 2015. Collection method: clinical testing. Allele origin: germline. Observed: 1 variant allele, 1 heterozygote.

NM_002693.3(POLG):c.155_166del (p.Gln52_Gln55del)

Genes: POLG (DNA polymerase gamma, catalytic subunit; minus strand), POLGARF (POLG alternative reading frame; minus strand). Cytogenetic location: 15q26.1.
Variant type: Deletion.
Coding change: c.155_166del on transcript NM_002693.3 (MANE Select); coding-DNA positions 155 to 166, 12 bases deleted (AGCAACAGCAGC).
Protein change: p.Gln52_Gln55del.
Molecular consequence: inframe deletion.
Genome position (GRCh38, 1-based): chr15:89,333,589-89,333,600, GCTGCTGTTGCT deleted on the plus strand (AGCAACAGCAGC on the coding strand, the reverse complement: POLG is on the minus strand); deleting any 12 consecutive bases within chr15:89,333,589-89,333,607 gives the same sequence; the c. name uses the placement nearest the transcript's 3' end. VCF-style (leftmost placement, unchanged base first): chr15-89333588-GGCTGCTGTTGCT-G. GRCh37 (hg19) VCF-style: chr15-89876819-GGCTGCTGTTGCT-G.
Other names: c.155_166delAGCAACAGCAGC (NM_002693.2); c.155_166del, p.Gln52_Gln55del (NM_001126131.2); c.155_166del12 (NM_002693.2).
Identifiers: ClinVar variation 206486 (VCV000206486.15), dbSNP rs761909257, ClinGen allele CA316625.